The following is an entry in ClinVar:

ClinVar aggregate classification (germline): Likely pathogenic (1 of 4 stars; one submission).

Conditions:
Autosomal dominant nonsyndromic hearing loss 10. Identifiers: Orphanet 90635, MedGen C1832476, MONDO:0011031, OMIM 601316.

gnomAD v4.1: 1 of 1,612,770 alleles (0.000062%); highest among the groups gnomAD compares: East Asian, 0.0022%; no homozygotes.

Submission:

Juno Genomics, Hangzhou Juno Genomics, Inc
Classification: Likely pathogenic for Autosomal dominant nonsyndromic hearing loss 10. Review status: criteria provided, single submitter. Criteria: ACMG Guidelines, 2015. Collection method: clinical testing. Allele origin: germline.
Comment: Null variant in a gene where loss of function (LOF) is a known mechanism of disease.;Absent from controls (or at extremely low frequency if recessive) in Genome Aggregation Database.

NM_004100.5(EYA4):c.970+2T>G

Gene: EYA4 (EYA transcriptional coactivator and phosphatase 4; plus strand). Cytogenetic location: 6q23.2.
Variant type: single nucleotide variant.
Coding change: c.970+2T>G on transcript NM_004100.5 (MANE Select); the canonical splice donor site of the intron after coding-DNA position 970, T replaced by G.
Molecular consequence: splice donor variant. On other transcripts: synonymous variant (2).
Genome position (GRCh38, 1-based): chr6:133,468,733, T>G. VCF-style: chr6-133468733-T-G. GRCh37 (hg19) VCF-style: chr6-133789871-T-G.
Other names: c.972T>G, p.Gly324= (NM_001301013.2); c.810T>G, p.Gly270= (NM_001370459.1); c.970+2T>G (NM_172105.4); c.901+2T>G (NM_001370458.1, NM_172103.4); c.808+2T>G (NM_001301012.2).
Identifiers: ClinVar variation 5006971 (VCV005006971.2).
Genomic context (GRCh38, chr6:133,468,733, plus strand): 5'-CTCTTCAACCTCTACTTATCAGTTGCAGGAATCTCTCCCAGGACTGACTAACCAACCAGG[T>G]ACAGATCTTCACCCAGGTGAAATACTTTTATATGTTTTGCAATATCTAATAAAACGGAGA-3'